The following is an entry in ClinVar:

ClinVar aggregate classification (germline): Benign (1 of 4 stars; one submission).

Allele frequency attached by ClinVar (database versions not stated): 1000 Genomes Project 30x 0.38054; 1000 Genomes Project 0.38299; gnomAD 0.42921 and 0.43394; gnomAD exomes 0.43846; TOPMed 0.44249.
gnomAD v4.1: 278,131 of 636,310 alleles (44%); highest among the groups gnomAD compares: Admixed American, 54%; 62,601 homozygotes.

Submission:

GeneDx
Classification: Benign. Last evaluated: 2018-06-14. Review status: criteria provided, single submitter. Criteria: GeneDx Variant Classification (06012015). Collection method: clinical testing. Allele origin: germline. Affected: yes.
Comment: This variant is considered likely benign or benign based on one or more of the following criteria: it is a conservative change, it occurs at a poorly conserved position in the protein, it is predicted to be benign by multiple in silico algorithms, and/or has population frequency not consistent with disease.

NM_001101426.4(CRPPA):c.1026+107A>C

Genes: CRPPA (CDP-L-ribitol pyrophosphorylase A; minus strand), CRPPA-AS1 (CRPPA antisense RNA 1; plus strand). Cytogenetic location: 7p21.2.
Variant type: single nucleotide variant.
Coding change: c.1026+107A>C on transcript NM_001101426.4 (MANE Select); 107 bases into the intron after coding-DNA position 1026, A replaced by C.
Molecular consequence: intron variant.
Genome position (GRCh38, 1-based): chr7:16,258,813, T>G on the plus strand (A>C on the coding strand, the complement: CRPPA is on the minus strand). VCF-style: chr7-16258813-T-G. GRCh37 (hg19) VCF-style: chr7-16298438-T-G.
Other names: c.876+107A>C (NM_001101417.4); c.921+107A>C (NM_001368197.1).
Identifiers: ClinVar variation 681997 (VCV000681997.1), dbSNP rs7799150, ClinGen allele CA12645001.